The following is an entry in ClinVar:

NM_003184.4(TAF2):c.3478A>C (p.Lys1160Gln)

Gene: TAF2 (TATA-box binding protein associated factor 2; minus strand). Cytogenetic location: 8q24.12.
Variant type: single nucleotide variant.
Coding change: c.3478A>C on transcript NM_003184.4 (MANE Select); coding-DNA position 3478, A replaced by C.
Protein change: p.Lys1160Gln; replaces lysine 1160 with glutamine.
Molecular consequence: missense variant.
Genome position (GRCh38, 1-based): chr8:119,732,046, T>G on the plus strand (A>C on the coding strand, the complement: TAF2 is on the minus strand). VCF-style: chr8-119732046-T-G. GRCh37 (hg19) VCF-style: chr8-120744286-T-G.
Other names: short protein forms K1160Q.
Identifiers: ClinVar variation 436939 (VCV000436939.12), dbSNP rs755785500, ClinGen allele CA4856786.
Genomic context (GRCh38, chr8:119,732,046, plus strand): 5'-GCTCCTTGTCCTTTTCTTTACTGTCATGCTTATGCTTGTGTTTGTGCTTATGTTTATGCT[T>G]CTTCTTCTTTTTCTTGTGCTCATGGTGATGGTGGTGATGGTGGTCACTGTGTTTGGAGGC-3'
Protein context (NP_003175.2, residues 1150-1170): HHHEHKKKKK[Lys1160Gln]HKHKHKHKHK

ClinVar aggregate classification (germline): Uncertain significance. Review status: criteria provided, multiple submitters, no conflicts (2 of 4 stars). 3 submissions from 3 submitters: Uncertain significance (3). Last evaluated 2025-04-03.

Conditions:
Inborn genetic diseases. Identifiers: MedGen C0950123, MeSH D030342.

Allele frequency attached by ClinVar (database versions not stated): TOPMed 0.00001; ExAC 0.00002; gnomAD exomes 0.00002 and 0.00004; gnomAD 0.00003.
gnomAD v4.1: 36 of 1,613,942 alleles (0.0022%); highest among the groups gnomAD compares: Middle Eastern, 0.016%; no homozygotes.

Submissions (3):

Ambry Genetics
Classification: Uncertain significance for Inborn genetic diseases. Last evaluated: 2025-04-03. Review status: criteria provided, single submitter. Criteria: Ambry Variant Classification Scheme 2023. Collection method: clinical testing. Allele origin: germline.

Labcorp Genetics (formerly Invitae), Labcorp
Classification: Uncertain significance. Last evaluated: 2021-11-26. Review status: criteria provided, single submitter. Criteria: Invitae Variant Classification Sherloc (09022015). Collection method: clinical testing. Allele origin: germline.
Comment: ClinVar contains an entry for this variant (Variation ID: 436939). In summary, the available evidence is currently insufficient to determine the role of this variant in disease. Therefore, it has been classified as a Variant of Uncertain Significance. Algorithms developed to predict the effect of missense changes on protein structure and function are either unavailable or do not agree on the potential impact of this missense change (SIFT: "Tolerated"; PolyPhen-2: "Probably Damaging"; Align-GVGD: "Class C0"). This variant has not been reported in the literature in individuals affected with TAF2-related conditions. This variant is present in population databases (rs755785500, gnomAD 0.03%). This sequence change replaces lysine, which is basic and polar, with glutamine, which is neutral and polar, at codon 1160 of the TAF2 protein (p.Lys1160Gln).

Genetic Services Laboratory, University of Chicago
Classification: Uncertain significance. Last evaluated: 2016-04-25. Review status: criteria provided, single submitter. Criteria: ACMG Guidelines, 2015. Collection method: clinical testing. Allele origin: germline. Affected: no.